The following is an entry in ClinVar:

NM_015570.4(AUTS2):c.3241G>T (p.Glu1081Ter)

Gene: AUTS2 (activator of transcription and developmental regulator AUTS2; plus strand). Cytogenetic location: 7q11.22.
Variant type: single nucleotide variant.
Coding change: c.3241G>T on transcript NM_015570.4 (MANE Select); coding-DNA position 3241, G replaced by T.
Protein change: p.Glu1081Ter; replaces glutamic acid 1081 with a stop codon.
Molecular consequence: nonsense.
Genome position (GRCh38, 1-based): chr7:70,790,457, G>T. VCF-style: chr7-70790457-G-T. GRCh37 (hg19) VCF-style: chr7-70255443-G-T.
Other names: c.3169G>T, p.Glu1057Ter (NM_001127231.3); short protein forms E1057*, E1081*.
Identifiers: ClinVar variation 5036922 (VCV005036922.1).

ClinVar aggregate classification (germline): Uncertain significance (1 of 4 stars; one submission).

Submission:

GeneDx
Classification: Uncertain significance. Last evaluated: 2026-04-20. Review status: criteria provided, single submitter. Criteria: GeneDx Variant Classification Process June 2021. Collection method: clinical testing. Allele origin: germline.
Comment: Nonsense variant predicted to result in protein truncation as the last 179 amino acids are lost; Not observed at significant frequency in large population cohorts (gnomAD); Identified in a patient from a large cohort of patients with autism spectrum disorder in the published literature; however, additional patient specific information was not provided (PMID: 38958063); This variant is associated with the following publications: (PMID: 38958063)